The following is an entry in ClinVar:

NM_001367624.2(ZNF469):c.4141del (p.Ser1381fs)

Gene: ZNF469 (zinc finger protein 469; plus strand). Cytogenetic location: 16q24.2.
Variant type: Deletion.
Coding change: c.4141del on transcript NM_001367624.2 (MANE Select); coding-DNA position 4141, one base deleted (A; older notation c.4141delA).
Protein change: p.Ser1381fs; shifts the reading frame from serine 1381.
Molecular consequence: frameshift variant.
Genome position (GRCh38, 1-based): chr16:88,431,611, A deleted. VCF-style (leftmost placement, unchanged base first): chr16-88431610-CA-C. GRCh37 (hg19) VCF-style: chr16-88498018-CA-C.
Other names: NM_001127464.1:c.4057delA; short protein forms S1381fs.
Identifiers: ClinVar variation 5032203 (VCV005032203.1).

ClinVar aggregate classification (germline): Pathogenic (1 of 4 stars; one submission).

Conditions:
Cardiovascular phenotype. Identifiers: MedGen CN230736.

Submission:

Ambry Genetics
Classification: Pathogenic for Cardiovascular phenotype. Last evaluated: 2026-06-29. Review status: criteria provided, single submitter. Criteria: Ambry Variant Classification Scheme 2023. Collection method: clinical testing. Allele origin: germline.
Comment: The c.4057delA pathogenic mutation, located in coding exon 2 of the ZNF469 gene, results from a deletion of one nucleotide at nucleotide position 4057, causing a translational frameshift with a predicted alternate stop codon (p.S1353Vfs*174). This variant occurs at the 3' terminus of the gene, is not expected to trigger nonsense-mediated mRNA decay, and impacts the last 65% of the protein. However, premature stop codons are typically deleterious in nature and a significant portion of the protein is affected (Ambry internal data). This variant is considered to be rare based on population cohorts in the Genome Aggregation Database (gnomAD). Based on the supporting evidence, this variant is interpreted as a disease-causing mutation.